The following is an entry in ClinVar:

ClinVar aggregate classification (germline): Conflicting classifications of pathogenicity. Review status: criteria provided, conflicting classifications (1 of 4 stars). 6 submissions from 6 submitters: Uncertain significance (5); Likely benign (1). Last evaluated 2026-01-04.

Conditions:
Hereditary nonpolyposis colorectal neoplasms. Identifiers: MedGen C0009405, MeSH D003123.
Hereditary cancer-predisposing syndrome. Also called: Hereditary Cancer Syndrome; Hereditary neoplastic syndrome; Neoplastic Syndromes, Hereditary; Tumor predisposition. Identifiers: Orphanet 140162, MedGen C0027672, MeSH D009386, MONDO:0015356.
Lynch syndrome. Identifiers: Orphanet 144, MedGen C4552100, MONDO:0005835. Disease mechanism: loss of function.

Allele frequency attached by ClinVar (database versions not stated): gnomAD exomes below 0.00001 and 0.00001; TOPMed 0.00002.
gnomAD v4.1: 3 of 1,614,212 alleles (0.00019%); highest among the groups gnomAD compares: Admixed American, 0.0033%; no homozygotes.

Submissions (6):

Labcorp Genetics (formerly Invitae), Labcorp
Classification: Likely benign for Hereditary nonpolyposis colorectal neoplasms. Last evaluated: 2026-01-04. Review status: criteria provided, single submitter. Criteria: Invitae Variant Classification Sherloc (09022015). Collection method: clinical testing. Allele origin: germline.

Ambry Genetics
Classification: Uncertain significance for Hereditary cancer-predisposing syndrome. Last evaluated: 2025-08-14. Review status: criteria provided, single submitter. Criteria: Ambry Variant Classification Scheme 2023. Collection method: clinical testing. Allele origin: germline.

Color Diagnostics, LLC DBA Color Health
Classification: Uncertain significance for Hereditary cancer-predisposing syndrome. Last evaluated: 2024-03-06. Review status: criteria provided, single submitter. Criteria: ACMG Guidelines, 2015. Collection method: clinical testing. Allele origin: germline.
Comment: This missense variant replaces glutamine with arginine at codon 657 of the MSH6 protein. Computational prediction suggests that this variant may not impact protein structure and function (internally defined REVEL score threshold <= 0.5, PMID: 27666373). To our knowledge, functional studies have not been reported for this variant. This variant has not been reported in individuals affected with hereditary cancer in the literature. This variant has been identified in 2/251144 chromosomes in the general population by the Genome Aggregation Database (gnomAD). The available evidence is insufficient to determine the role of this variant in disease conclusively. Therefore, this variant is classified as a Variant of Uncertain Significance.

Quest Diagnostics Nichols Institute San Juan Capistrano
Classification: Uncertain significance. Last evaluated: 2024-01-10. Review status: criteria provided, single submitter. Criteria: Quest Diagnostics criteria. Collection method: clinical testing. Allele origin: unknown.
Comment: The MSH6 c.1970A>G (p.Gln657Arg) variant has not been reported in individuals with MSH6-related conditions in the published literature. The frequency of this variant in the general population, 0.000008 (2/251144 chromosomes (Genome Aggregation Database)), is uninformative in the assessment of its pathogenicity. Analysis of this variant using bioinformatics tools for the prediction of the effect of amino acid changes on protein structure and function yielded predictions that this variant is benign. Based on the available information, we are unable to determine the clinical significance of this variant.

Revvity Omics, Revvity
Classification: Uncertain significance. Last evaluated: 2023-07-25. Review status: criteria provided, single submitter. Criteria: ACMG Guidelines, 2015. Collection method: clinical testing. Allele origin: germline.

All of Us Research Program, National Institutes of Health
Classification: Uncertain significance for Lynch syndrome. Last evaluated: 2023-06-26. Review status: criteria provided, single submitter. Criteria: ACMG Guidelines, 2015. Collection method: clinical testing. Allele origin: germline. Inheritance: Autosomal dominant inheritance. Observed: 1 variant allele, 1 heterozygote.
Comment: This missense variant replaces glutamine with arginine at codon 657 of the MSH6 protein. Computational prediction suggests that this variant may not impact protein structure and function (internally defined REVEL score threshold <= 0.5, PMID: 27666373). To our knowledge, functional studies have not been reported for this variant. This variant has not been reported in individuals affected with hereditary cancer in the literature. This variant has been identified in 2/251144 chromosomes in the general population by the Genome Aggregation Database (gnomAD). The available evidence is insufficient to determine the role of this variant in disease conclusively. Therefore, this variant is classified as a Variant of Uncertain Significance.

This study involves interpretation of variants in research participants for the purpose of population health screening. Participant phenotype was not available at the time of variant classification. Additional details can be found in publication PMID: 35346344, PMCID: PMC8962531

NM_000179.3(MSH6):c.1970A>G (p.Gln657Arg)

Gene: MSH6 (mutS homolog 6; plus strand). Cytogenetic location: 2p16.3.
Variant type: single nucleotide variant.
Coding change: c.1970A>G on transcript NM_000179.3 (MANE Select); coding-DNA position 1970, A replaced by G.
Protein change: p.Gln657Arg; replaces glutamine 657 with arginine.
Molecular consequence: missense variant.
Genome position (GRCh38, 1-based): chr2:47,799,953, A>G. VCF-style: chr2-47799953-A-G. GRCh37 (hg19) VCF-style: chr2-48027092-A-G.
Other names: c.1580A>G, p.Gln527Arg (NM_001281492.2); c.1064A>G, p.Gln355Arg (NM_001281493.2, NM_001281494.2); short protein forms Q657R, Q527R, Q355R.
Identifiers: ClinVar variation 455167 (VCV000455167.23), dbSNP rs1459883720, ClinGen allele CA346750602.